The following is an entry in ClinVar:

NM_004415.4(DSP):c.8342T>C (p.Leu2781Ser)

Gene: DSP (desmoplakin; plus strand). Cytogenetic location: 6p24.3.
Variant type: single nucleotide variant.
Coding change: c.8342T>C on transcript NM_004415.4 (MANE Select); coding-DNA position 8342, T replaced by C.
Protein change: p.Leu2781Ser; replaces leucine 2781 with serine.
Molecular consequence: missense variant.
Genome position (GRCh38, 1-based): chr6:7,585,604, T>C. VCF-style: chr6-7585604-T-C. GRCh37 (hg19) VCF-style: chr6-7585837-T-C.
Other names: c.7013T>C, p.Leu2338Ser (NM_001319034.2); c.6545T>C, p.Leu2182Ser (NM_001008844.3); short protein forms L2182S, L2338S, L2781S.
Identifiers: ClinVar variation 1720208 (VCV001720208.8), dbSNP rs906516867, ClinGen allele CA362694955.
Genomic context (GRCh38, chr6:7,585,604, plus strand): 5'-CACAGAGGCTGCAAGACACCAGCAGCTATGCCAAAATCCTGACCTGCCCCAAAACCAAAT[T>C]AAAAATATCCTATAAGGATGCCATAAATCGCTCCATGGTAGAAGATATCACTGGGCTGCG-3'
Protein context (NP_004406.2, residues 2771-2791): AKILTCPKTK[Leu2781Ser]KISYKDAINR

ClinVar aggregate classification (germline): Uncertain significance. Review status: criteria provided, multiple submitters, no conflicts (2 of 4 stars). 2 submissions from 2 submitters: Uncertain significance (2). Last evaluated 2024-03-06.

Conditions:
Cardiomyopathy (CMYO). Also called: Cardiomyopathies. Identifiers: Orphanet 167848, MedGen C0878544, MONDO:0004994, HP:0001638. Inheritance: Various modes of inheritance.
Arrhythmogenic cardiomyopathy with wooly hair and keratoderma. Also called: Carvajal syndrome; Dilated cardiomyopathy with woolly hair and keratoderma; Arrhythmogenic cardiomyopathy with woolly hair and keratoderma; PALMOPLANTAR KERATODERMA WITH LEFT VENTRICULAR CARDIOMYOPATHY AND WOOLLY HAIR. Identifiers: Orphanet 65282, MedGen C1854063, MONDO:0011581, OMIM 605676.
Arrhythmogenic right ventricular dysplasia 8 (ARVD8). Also called: ARRHYTHMOGENIC RIGHT VENTRICULAR DYSPLASIA, FAMILIAL, 8; ARRHYTHMOGENIC RIGHT VENTRICULAR CARDIOMYOPATHY 8; Arrhythmogenic Right Ventricular Dysplasia/Cardiomyopathy 8. Identifiers: MedGen C1843896, MONDO:0011831, OMIM 607450.

Submissions (2):

Color Diagnostics, LLC DBA Color Health
Classification: Uncertain significance for Cardiomyopathy. Last evaluated: 2024-03-06. Review status: criteria provided, single submitter. Criteria: ACMG Guidelines, 2015. Collection method: clinical testing. Allele origin: germline.
Comment: This missense variant replaces leucine with serine at codon 2781 of the DSP protein. Computational prediction is inconclusive regarding the impact of this variant on protein structure and function (internally defined REVEL score threshold 0.5 < inconclusive < 0.7, PMID: 27666373). To our knowledge, functional studies have not been reported for this variant. This variant has not been reported in individuals affected with DSP-related disorders in the literature. This variant has not been identified in the general population by the Genome Aggregation Database (gnomAD). The available evidence is insufficient to determine the role of this variant in disease conclusively. Therefore, this variant is classified as a Variant of Uncertain Significance.

Labcorp Genetics (formerly Invitae), Labcorp
Classification: Uncertain significance for Arrhythmogenic cardiomyopathy with wooly hair and keratoderma; Arrhythmogenic right ventricular dysplasia 8. Last evaluated: 2022-09-23. Review status: criteria provided, single submitter. Criteria: Invitae Variant Classification Sherloc (09022015). Collection method: clinical testing. Allele origin: germline.
Comment: This sequence change replaces leucine, which is neutral and non-polar, with serine, which is neutral and polar, at codon 2781 of the DSP protein (p.Leu2781Ser). This variant is not present in population databases (gnomAD no frequency). This variant has not been reported in the literature in individuals affected with DSP-related conditions. Algorithms developed to predict the effect of missense changes on protein structure and function (SIFT, PolyPhen-2, Align-GVGD) all suggest that this variant is likely to be disruptive. In summary, the available evidence is currently insufficient to determine the role of this variant in disease. Therefore, it has been classified as a Variant of Uncertain Significance.